The following is an entry in ClinVar:

NM_000238.4(KCNH2):c.461G>A (p.Trp154Ter)

Gene: KCNH2 (potassium voltage-gated channel subfamily H member 2; minus strand). Cytogenetic location: 7q36.1.
Variant type: single nucleotide variant.
Coding change: c.461G>A on transcript NM_000238.4 (MANE Select); coding-DNA position 461, G replaced by A.
Protein change: p.Trp154Ter; replaces tryptophan 154 with a stop codon.
Molecular consequence: nonsense.
Genome position (GRCh38, 1-based): chr7:150,959,583, C>T on the plus strand (G>A on the coding strand, the complement: KCNH2 is on the minus strand). VCF-style: chr7-150959583-C-T. GRCh37 (hg19) VCF-style: chr7-150656671-C-T.
Other names: c.173G>A, p.Trp58Ter (NM_001406753.1, NM_001406756.1); c.284G>A, p.Trp95Ter (NM_001406755.1); c.161G>A, p.Trp54Ter (NM_001406757.1); c.461G>A, p.Trp154Ter (NM_172056.3); short protein forms W154*, W54*, W58*, W95*.
Identifiers: ClinVar variation 456935 (VCV000456935.9), dbSNP rs1554428173, ClinGen allele CA369863610.

ClinVar aggregate classification (germline): Pathogenic (1 of 4 stars; one submission).

Conditions:
Long QT syndrome (LQTS). Identifiers: MedGen C0023976, MeSH D008133, MONDO:0002442. Disease mechanism: loss of function. Inheritance: Various modes of inheritance.

Submission:

Labcorp Genetics (formerly Invitae), Labcorp
Classification: Pathogenic for Long QT syndrome. Last evaluated: 2022-09-01. Review status: criteria provided, single submitter. Criteria: Invitae Variant Classification Sherloc (09022015). Collection method: clinical testing. Allele origin: germline.
Comment: This sequence change creates a premature translational stop signal (p.Trp154*) in the KCNH2 gene. It is expected to result in an absent or disrupted protein product. Loss-of-function variants in KCNH2 are known to be pathogenic (PMID: 10973849, 19862833). For these reasons, this variant has been classified as Pathogenic. ClinVar contains an entry for this variant (Variation ID: 456935). This premature translational stop signal has been observed in individual(s) with long QT syndrome (PMID: 26496715). This variant is not present in population databases (gnomAD no frequency).

Literature cited by the submitters: PubMed 10973849; PubMed 19862833; PubMed 26496715.